The following is an entry in ClinVar:

ClinVar aggregate classification (germline): Uncertain significance (1 of 4 stars; one submission).

Conditions:
Fanconi anemia complementation group J. Also called: BRIP1-Related Fanconi Anemia. Identifiers: Orphanet 84, MedGen C1836860, MONDO:0012187, OMIM 609054.
Familial cancer of breast. Also called: BREAST CANCER, FAMILIAL; hereditary breast carcinoma; Hereditary breast cancer. Identifiers: Orphanet 227535, MedGen C0346153, MONDO:0016419, OMIM 114480. Disease mechanism: loss of function.

Allele frequency attached by ClinVar (database versions not stated): gnomAD exomes below 0.00001.
gnomAD v4.1: 1 of 1,614,186 alleles (0.000062%); highest among the groups gnomAD compares: Non-Finnish European, 0.000085%; no homozygotes.

Submission:

Labcorp Genetics (formerly Invitae), Labcorp
Classification: Uncertain significance for Familial cancer of breast; Fanconi anemia complementation group J. Last evaluated: 2023-03-16. Review status: criteria provided, single submitter. Criteria: Invitae Variant Classification Sherloc (09022015). Collection method: clinical testing. Allele origin: germline.
Comment: This sequence change replaces isoleucine, which is neutral and non-polar, with valine, which is neutral and non-polar, at codon 1103 of the BRIP1 protein (p.Ile1103Val). In summary, the available evidence is currently insufficient to determine the role of this variant in disease. Therefore, it has been classified as a Variant of Uncertain Significance. An algorithm developed to predict the effect of missense changes on protein structure and function (PolyPhen-2) suggests that this variant is likely to be tolerated. ClinVar contains an entry for this variant (Variation ID: 530306). This variant has not been reported in the literature in individuals affected with BRIP1-related conditions. This variant is not present in population databases (gnomAD no frequency).

NM_032043.3(BRIP1):c.3307A>G (p.Ile1103Val)

Gene: BRIP1 (BRCA1 interacting DNA helicase 1; minus strand). Cytogenetic location: 17q23.2.
Variant type: single nucleotide variant.
Coding change: c.3307A>G on transcript NM_032043.3 (MANE Select); coding-DNA position 3307, A replaced by G.
Protein change: p.Ile1103Val; replaces isoleucine 1103 with valine.
Molecular consequence: missense variant.
Genome position (GRCh38, 1-based): chr17:61,683,739, T>C on the plus strand (A>G on the coding strand, the complement: BRIP1 is on the minus strand). VCF-style: chr17-61683739-T-C. GRCh37 (hg19) VCF-style: chr17-59761100-T-C.
Other names: short protein forms I1103V.
Identifiers: ClinVar variation 530306 (VCV000530306.10), dbSNP rs1555572700, ClinGen allele CA400479014.
Genomic context (GRCh38, chr17:61,683,739, plus strand): 5'-TTTCAAAATCTCTATTTGAAGTGGACTGTTTATCTTCTTCACTTACTAGAGACAATTCAA[T>C]GTCTGGATCCAGGGCTTCTTCAGAACAGAGCGGATGTTCAGAATGATTTTTTCTAGTAAG-3'
Protein context (NP_114432.2, residues 1093-1113): LCSEEALDPD[Ile1103Val]ELSLVSEEDK